The following is an entry in ClinVar:

NM_006070.6(TFG):c.64C>T (p.Arg22Trp)

Gene: TFG (trafficking from ER to golgi regulator; plus strand). Cytogenetic location: 3q12.2.
Variant type: single nucleotide variant.
Coding change: c.64C>T on transcript NM_006070.6 (MANE Select); coding-DNA position 64, C replaced by T.
Protein change: p.Arg22Trp; replaces arginine 22 with tryptophan.
Molecular consequence: missense variant.
Genome position (GRCh38, 1-based): chr3:100,713,749, C>T. VCF-style: chr3-100713749-C-T. GRCh37 (hg19) VCF-style: chr3-100432593-C-T.
Other names: c.64C>T, p.Arg22Trp (NM_001007565.2, NM_001195478.2, NM_001195479.2); short protein forms R22W.
Identifiers: ClinVar variation 1452866 (VCV001452866.9), dbSNP rs989357227, ClinGen allele CA79694289.

ClinVar aggregate classification (germline): Pathogenic. Review status: criteria provided, multiple submitters, no conflicts (2 of 4 stars). 2 submissions from 2 submitters: Pathogenic (2). Last evaluated 2025-02-16.

Conditions:
Hereditary motor and sensory neuropathy, Okinawa type (HMSNO). Also called: HEREDITARY MOTOR AND SENSORY NEUROPATHY, PROXIMAL TYPE. Identifiers: Orphanet 90117, MedGen C1858338, MONDO:0011468, OMIM 604484.
Hereditary spastic paraplegia 57. Also called: Spastic paraplegia 57, autosomal recessive. Identifiers: Orphanet 431329, MedGen C3714897, MONDO:0014295, OMIM 615658.

Allele frequency attached by ClinVar (database versions not stated): TOPMed below 0.00001; gnomAD exomes 0.00002.

Submissions (2):

Laboratory of Genetics, Children's Clinical University Hospital Latvia
Classification: Pathogenic. Last evaluated: 2025-02-16. Review status: criteria provided, single submitter. Criteria: ACMG Guidelines, 2015. Collection method: clinical testing. Allele origin: germline. Affected: yes.

Labcorp Genetics (formerly Invitae), Labcorp
Classification: Pathogenic for Hereditary motor and sensory neuropathy, Okinawa type; Hereditary spastic paraplegia 57. Last evaluated: 2024-06-18. Review status: criteria provided, single submitter. Criteria: Invitae Variant Classification Sherloc (09022015). Collection method: clinical testing. Allele origin: germline.
Comment: This sequence change replaces arginine, which is basic and polar, with tryptophan, which is neutral and slightly polar, at codon 22 of the TFG protein (p.Arg22Trp). This variant is present in population databases (no rsID available, gnomAD 0.003%). This missense change has been observed in individuals with autosomal recessive hereditary spastic paraplegia (PMID: 27601211, 28124177). It has also been observed to segregate with disease in related individuals. ClinVar contains an entry for this variant (Variation ID: 1452866). Advanced modeling of protein sequence and biophysical properties (such as structural, functional, and spatial information, amino acid conservation, physicochemical variation, residue mobility, and thermodynamic stability) performed at Invitae indicates that this missense variant is expected to disrupt TFG protein function with a positive predictive value of 80%. Experimental studies have shown that this missense change affects TFG function (PMID: 27601211, 30157421). For these reasons, this variant has been classified as Pathogenic.

Literature cited by the submitters: PubMed 27601211 (cited by Labcorp Genetics (formerly Invitae), Labcorp); PubMed 28124177 (cited by Labcorp Genetics (formerly Invitae), Labcorp); PubMed 30157421 (cited by Labcorp Genetics (formerly Invitae), Labcorp).